The following is an entry in ClinVar:

NM_006859.4(LIAS):c.25G>T (p.Ala9Ser)

Genes: LIAS (lipoic acid synthetase; plus strand), LOC112939935 (Sharpr-MPRA regulatory region 11886; plus strand). Cytogenetic location: 4p14.
Variant type: single nucleotide variant.
Coding change: c.25G>T on transcript NM_006859.4 (MANE Select); coding-DNA position 25, G replaced by T.
Protein change: p.Ala9Ser; replaces alanine 9 with serine.
Molecular consequence: missense variant.
Genome position (GRCh38, 1-based): chr4:39,459,142, G>T. VCF-style: chr4-39459142-G-T. GRCh37 (hg19) VCF-style: chr4-39460762-G-T.
Other names: c.25G>T, p.Ala9Ser (NM_001278590.2, NM_001278591.2, NM_001278592.2 and 2 more transcripts); c.25G>T (NM_006859.2); short protein forms A9S.
Identifiers: ClinVar variation 1362885 (VCV001362885.8), dbSNP rs999105881, ClinGen allele CA95723731.

ClinVar aggregate classification (germline): Uncertain significance. Review status: criteria provided, multiple submitters, no conflicts (2 of 4 stars). 2 submissions from 2 submitters: Uncertain significance (2). Last evaluated 2023-07-12.

Conditions:
Lipoic acid synthetase deficiency. Also called: HYPERGLYCINEMIA, LACTIC ACIDOSIS, AND SEIZURES. Identifiers: Orphanet 401859, MedGen C3280887, MONDO:0013762, OMIM 614462.

Allele frequency attached by ClinVar (database versions not stated): gnomAD 0.00001; TOPMed 0.00001.
gnomAD v4.1: 7 of 1,613,640 alleles (0.00043%); highest among the groups gnomAD compares: African/African-American, 0.0027%; no homozygotes.

Submissions (2):

GeneDx
Classification: Uncertain significance. Last evaluated: 2023-07-12. Review status: criteria provided, single submitter. Criteria: GeneDx Variant Classification Process June 2021. Collection method: clinical testing. Allele origin: germline. Affected: yes.
Comment: Not observed at significant frequency in large population cohorts (gnomAD); In silico analysis supports that this missense variant does not alter protein structure/function; Has not been previously published as pathogenic or benign to our knowledge

Labcorp Genetics (formerly Invitae), Labcorp
Classification: Uncertain significance for Lipoic acid synthetase deficiency. Last evaluated: 2022-07-19. Review status: criteria provided, single submitter. Criteria: Invitae Variant Classification Sherloc (09022015). Collection method: clinical testing. Allele origin: germline.
Comment: In summary, the available evidence is currently insufficient to determine the role of this variant in disease. Therefore, it has been classified as a Variant of Uncertain Significance. Algorithms developed to predict the effect of missense changes on protein structure and function output the following: SIFT: "Tolerated"; PolyPhen-2: "Benign"; Align-GVGD: "Class C0". The serine amino acid residue is found in multiple mammalian species, which suggests that this missense change does not adversely affect protein function. ClinVar contains an entry for this variant (Variation ID: 1362885). This variant has not been reported in the literature in individuals affected with LIAS-related conditions. This variant is present in population databases (no rsID available, gnomAD 0.007%). This sequence change replaces alanine, which is neutral and non-polar, with serine, which is neutral and polar, at codon 9 of the LIAS protein (p.Ala9Ser).